The following is an entry in ClinVar:

NM_006261.5(PROP1):c.52G>A (p.Gly18Ser)

Gene: PROP1 (PROP paired-like homeobox 1; minus strand). Cytogenetic location: 5q35.3.
Variant type: single nucleotide variant.
Coding change: c.52G>A on transcript NM_006261.5 (MANE Select); coding-DNA position 52, G replaced by A.
Protein change: p.Gly18Ser; replaces glycine 18 with serine.
Molecular consequence: missense variant.
Genome position (GRCh38, 1-based): chr5:177,995,882, C>T on the plus strand (G>A on the coding strand, the complement: PROP1 is on the minus strand). VCF-style: chr5-177995882-C-T. GRCh37 (hg19) VCF-style: chr5-177422883-C-T.
Other names: short protein forms G18S.
Identifiers: ClinVar variation 288237 (VCV000288237.19), dbSNP rs775353413, ClinGen allele CA3587652.
Genomic context (GRCh38, chr5:177,995,882, plus strand): 5'-CACCCACCGTGGTGGTCGGGGTCCCAGTGGCCGGGTGTCTCTCAGGCAACAGGTTGCTGC[C>T]GACTCGCCCCTTCTTTGGCTTCTCAGCCTGGCGCCTCCTTTCTGCTTCCATGGCTCGCCA-3'
Protein context (NP_006252.4, residues 8-28): QAEKPKKGRV[Gly18Ser]SNLLPERHPA

ClinVar aggregate classification (germline): Conflicting classifications of pathogenicity. Review status: criteria provided, conflicting classifications (1 of 4 stars). 5 submissions from 5 submitters: Uncertain significance (2); Benign (1). 2 of the submissions do not count toward it. Last evaluated 2026-01-26.

Conditions:
PROP1-related disorder. Also called: PROP1-related condition.
Pituitary hormone deficiency, combined, 2. Also called: PITUITARY DWARFISM III; ATELIOTIC DWARFISM WITH HYPOGONADISM; HANHART DWARFISM; PROP1-Related Combined Pituitary Hormone Deficiency. Identifiers: MedGen C0878683, MONDO:0009878, OMIM 262600.

Allele frequency attached by ClinVar (database versions not stated): gnomAD 0.00002 and 0.00010; TOPMed 0.00002; gnomAD exomes 0.00013 and 0.00027; 1000 Genomes Project 30x 0.00016; ExAC 0.00032.
gnomAD v4.1: 211 of 1,614,072 alleles (0.013%); highest among the groups gnomAD compares: South Asian, 0.2%; 5 homozygotes.

Submissions (5):

Labcorp Genetics (formerly Invitae), Labcorp
Classification: Benign. Last evaluated: 2026-01-26. Review status: criteria provided, single submitter. Criteria: Invitae Variant Classification Sherloc (09022015). Collection method: clinical testing. Allele origin: germline.

Fulgent Genetics
Classification: Uncertain significance for Pituitary hormone deficiency, combined, 2. Last evaluated: 2018-10-31. Review status: criteria provided, single submitter. Criteria: ACMG Guidelines, 2015. Collection method: clinical testing. Allele origin: unknown.

Eurofins Ntd Llc (ga)
Classification: Uncertain significance. Last evaluated: 2016-05-17. Review status: criteria provided, single submitter. Criteria: EGL Classification Definitions 2015. Collection method: clinical testing. Allele origin: germline. Observed: 1 variant allele, 1 heterozygote.

PreventionGenetics, part of Exact Sciences
Classification: Likely benign for PROP1-related condition. Last evaluated: 2024-04-03. Review status: no assertion criteria provided. Collection method: clinical testing. Allele origin: germline. Not counted in ClinVar's aggregate classification.
Comment: This variant is classified as likely benign based on ACMG/AMP sequence variant interpretation guidelines (Richards et al. 2015 PMID: 25741868, with internal and published modifications).

Natera, Inc.
Classification: Likely benign for Combined pituitary hormone deficiency type 2. Last evaluated: 2020-04-24. Review status: no assertion criteria provided. Collection method: clinical testing. Allele origin: germline. Not counted in ClinVar's aggregate classification.